The following is an entry in ClinVar:

NM_005012.4(ROR1):c.1786G>T (p.Ala596Ser)

Gene: ROR1 (ROR family WNT receptor 1; plus strand). Cytogenetic location: 1p31.3.
Variant type: single nucleotide variant.
Coding change: c.1786G>T on transcript NM_005012.4 (MANE Select); coding-DNA position 1786, G replaced by T.
Protein change: p.Ala596Ser; replaces alanine 596 with serine.
Molecular consequence: missense variant.
Genome position (GRCh38, 1-based): chr1:64,177,827, G>T. VCF-style: chr1-64177827-G-T. GRCh37 (hg19) VCF-style: chr1-64643510-G-T.
Other names: c.1786G>T (NM_005012.2, NM_005012.3); short protein forms A596S.
Identifiers: ClinVar variation 1897929 (VCV001897929.7), dbSNP rs774750393, ClinGen allele CA890332.

ClinVar aggregate classification (germline): Uncertain significance. Review status: criteria provided, multiple submitters, no conflicts (2 of 4 stars). 3 submissions from 3 submitters: Uncertain significance (3). Last evaluated 2025-01-18.

Conditions:
ROR1-related disorder. Also called: ROR1-related condition.

Allele frequency attached by ClinVar (database versions not stated): ExAC 0.00002; gnomAD 0.00003; TOPMed 0.00003; gnomAD exomes 0.00004.
gnomAD v4.1: 71 of 1,614,056 alleles (0.0044%); highest among the groups gnomAD compares: Middle Eastern, 0.066%; no homozygotes.

Submissions (3):

Labcorp Genetics (formerly Invitae), Labcorp
Classification: Uncertain significance. Last evaluated: 2025-01-18. Review status: criteria provided, single submitter. Criteria: Invitae Variant Classification Sherloc (09022015). Collection method: clinical testing. Allele origin: germline.
Comment: This sequence change replaces alanine, which is neutral and non-polar, with serine, which is neutral and polar, at codon 596 of the ROR1 protein (p.Ala596Ser). This variant is present in population databases (rs774750393, gnomAD 0.008%). This variant has not been reported in the literature in individuals affected with ROR1-related conditions. ClinVar contains an entry for this variant (Variation ID: 1897929). Invitae Evidence Modeling of protein sequence and biophysical properties (such as structural, functional, and spatial information, amino acid conservation, physicochemical variation, residue mobility, and thermodynamic stability) indicates that this missense variant is not expected to disrupt ROR1 protein function with a negative predictive value of 80%. In summary, the available evidence is currently insufficient to determine the role of this variant in disease. Therefore, it has been classified as a Variant of Uncertain Significance.

PreventionGenetics, part of Exact Sciences
Classification: Uncertain significance for ROR1-related condition. Last evaluated: 2025-01-14. Review status: criteria provided, single submitter. Criteria: ACMG Guidelines, 2015. Collection method: clinical testing. Allele origin: germline.
Comment: The ROR1 c.1786G>T variant is predicted to result in the amino acid substitution p.Ala596Ser. To our knowledge, this variant has not been reported in the literature. This variant is reported in 0.0085% of alleles in individuals of European (Non-Finnish) descent in gnomAD. At this time, the clinical significance of this variant is uncertain due to the absence of conclusive functional and genetic evidence.

Ambry Genetics
Classification: Uncertain significance. Last evaluated: 2022-09-06. Review status: criteria provided, single submitter. Criteria: Ambry Variant Classification Scheme 2023. Collection method: clinical testing. Allele origin: germline.